The following is an entry in ClinVar:

ClinVar aggregate classification (germline): Benign (0 of 4 stars; one submission).

Conditions:
NCAPD2-related disorder. Also called: NCAPD2-related condition.

Allele frequency attached by ClinVar (database versions not stated): gnomAD 0.00044; gnomAD exomes 0.00047; TOPMed 0.00056; ExAC 0.00121; 1000 Genomes Project 0.00160; 1000 Genomes Project 30x 0.00172.
gnomAD v4.1: 752 of 1,612,106 alleles (0.047%); highest among the groups gnomAD compares: East Asian, 1.6%; 4 homozygotes.

Submission:

PreventionGenetics, part of Exact Sciences
Classification: Benign for NCAPD2-related condition. Last evaluated: 2019-06-13. Review status: no assertion criteria provided. Collection method: clinical testing. Allele origin: germline.
Comment: This variant is classified as benign based on ACMG/AMP sequence variant interpretation guidelines (Richards et al. 2015 PMID: 25741868, with internal and published modifications).

NM_014865.4(NCAPD2):c.243T>C (p.Thr81=)

Gene: NCAPD2 (non-SMC condensin I complex subunit D2; plus strand). Cytogenetic location: 12p13.31.
Variant type: single nucleotide variant.
Coding change: c.243T>C on transcript NM_014865.4 (MANE Select); coding-DNA position 243, T replaced by C.
Protein change: p.Thr81=; no amino-acid change (threonine 81 retained).
Molecular consequence: synonymous variant.
Genome position (GRCh38, 1-based): chr12:6,510,114, T>C. VCF-style: chr12-6510114-T-C. GRCh37 (hg19) VCF-style: chr12-6619280-T-C.
Identifiers: ClinVar variation 3034389 (VCV003034389.2), dbSNP rs192059221, ClinGen allele CA6407988.